The following is an entry in ClinVar:

ClinVar aggregate classification (germline): Uncertain significance (1 of 4 stars; one submission).

Conditions:
Neuroblastoma, susceptibility to, 3. Also called: ALK-Related Neuroblastic Tumor Susceptibility. Identifiers: Orphanet 635, MedGen C2751681, MONDO:0013083, OMIM 613014.

Submission:

Labcorp Genetics (formerly Invitae), Labcorp
Classification: Uncertain significance for Neuroblastoma, susceptibility to, 3. Last evaluated: 2022-01-18. Review status: criteria provided, single submitter. Criteria: Invitae Variant Classification Sherloc (09022015). Collection method: clinical testing. Allele origin: germline.
Comment: This variant is not present in population databases (gnomAD no frequency). This sequence change replaces leucine, which is neutral and non-polar, with methionine, which is neutral and non-polar, at codon 1108 of the ALK protein (p.Leu1108Met). This variant has not been reported in the literature in individuals affected with ALK-related conditions. In summary, the available evidence is currently insufficient to determine the role of this variant in disease. Therefore, it has been classified as a Variant of Uncertain Significance. Algorithms developed to predict the effect of missense changes on protein structure and function are either unavailable or do not agree on the potential impact of this missense change (SIFT: "Deleterious"; PolyPhen-2: "Probably Damaging"; Align-GVGD: "Class C0").

NM_004304.5(ALK):c.3322C>A (p.Leu1108Met)

Gene: ALK (ALK receptor tyrosine kinase; minus strand). Cytogenetic location: 2p23.2.
Variant type: single nucleotide variant.
Coding change: c.3322C>A on transcript NM_004304.5 (MANE Select); coding-DNA position 3322, C replaced by A.
Protein change: p.Leu1108Met; replaces leucine 1108 with methionine.
Molecular consequence: missense variant.
Genome position (GRCh38, 1-based): chr2:29,223,379, G>T on the plus strand (C>A on the coding strand, the complement: ALK is on the minus strand). VCF-style: chr2-29223379-G-T. GRCh37 (hg19) VCF-style: chr2-29446245-G-T.
Other names: c.118C>A, p.Leu40Met (NM_001353765.2); short protein forms L40M, L1108M.
Identifiers: ClinVar variation 2087495 (VCV002087495.4), dbSNP rs1669860335, ClinGen allele CA346464723.